The following is an entry in ClinVar:

ClinVar aggregate classification (germline): Uncertain significance (1 of 4 stars; one submission).

Allele frequency attached by ClinVar (database versions not stated): ExAC 0.00001; gnomAD exomes 0.00001; TOPMed 0.00005; gnomAD 0.00006 and 0.00007; 1000 Genomes Project 30x 0.00016; 1000 Genomes Project 0.00020.

Submission:

Labcorp Genetics (formerly Invitae), Labcorp
Classification: Uncertain significance. Last evaluated: 2024-10-16. Review status: criteria provided, single submitter. Criteria: Invitae Variant Classification Sherloc (09022015). Collection method: clinical testing. Allele origin: germline.
Comment: This sequence change replaces methionine, which is neutral and non-polar, with valine, which is neutral and non-polar, at codon 144 of the ANKH protein (p.Met144Val). This variant is present in population databases (rs201325239, gnomAD 0.02%). This variant has not been reported in the literature in individuals affected with ANKH-related conditions. ClinVar contains an entry for this variant (Variation ID: 1509485). An algorithm developed to predict the effect of missense changes on protein structure and function (PolyPhen-2) suggests that this variant is likely to be tolerated. In summary, the available evidence is currently insufficient to determine the role of this variant in disease. Therefore, it has been classified as a Variant of Uncertain Significance.

NM_054027.6(ANKH):c.430A>G (p.Met144Val)

Gene: ANKH (ANKH inorganic pyrophosphate transport regulator; minus strand). Cytogenetic location: 5p15.2.
Variant type: single nucleotide variant.
Coding change: c.430A>G on transcript NM_054027.6 (MANE Select); coding-DNA position 430, A replaced by G.
Protein change: p.Met144Val; replaces methionine 144 with valine.
Molecular consequence: missense variant.
Genome position (GRCh38, 1-based): chr5:14,758,482, T>C on the plus strand (A>G on the coding strand, the complement: ANKH is on the minus strand). VCF-style: chr5-14758482-T-C. GRCh37 (hg19) VCF-style: chr5-14758591-T-C.
Other names: short protein forms M144V.
Identifiers: ClinVar variation 1509485 (VCV001509485.8), dbSNP rs201325239, ClinGen allele CA3209131.